The following is an entry in ClinVar:

NM_015512.5(DNAH1):c.3356A>G (p.Asn1119Ser)

Gene: DNAH1 (dynein axonemal heavy chain 1; plus strand). Cytogenetic location: 3p21.1.
Variant type: single nucleotide variant.
Coding change: c.3356A>G on transcript NM_015512.5 (MANE Select); coding-DNA position 3356, A replaced by G.
Protein change: p.Asn1119Ser; replaces asparagine 1119 with serine.
Molecular consequence: missense variant.
Genome position (GRCh38, 1-based): chr3:52,353,509, A>G. VCF-style: chr3-52353509-A-G. GRCh37 (hg19) VCF-style: chr3-52387525-A-G.
Other names: c.3356A>G (NM_015512.4); short protein forms N1119S.
Identifiers: ClinVar variation 2417102 (VCV002417102.9), dbSNP rs1006363863, ClinGen allele CA74743018.
Genomic context (GRCh38, chr3:52,353,509, plus strand): 5'-AGGGGCTGCGCAACCCTGGCATGCGGATCCGGCACTGGGAGACACTGTCCAACCAGATCA[A>G]CATCAATGTCAGGCCCAAGGCCAACCTGACCTTTGCTCGCTGCCTGGAGATGAACCTGCA-3'
Protein context (NP_056327.4, residues 1109-1129): RHWETLSNQI[Asn1119Ser]INVRPKANLT

ClinVar aggregate classification (germline): Uncertain significance. Review status: criteria provided, multiple submitters, no conflicts (2 of 4 stars). 2 submissions from 2 submitters: Uncertain significance (2). Last evaluated 2023-03-27.

Conditions:
Spermatogenic failure 18. Identifiers: MedGen C4539783, MONDO:0054615, OMIM 617576.
Ciliary dyskinesia, primary, 37 (CILD37). Also called: CILIARY DYSKINESIA, PRIMARY, 37, WITH OR WITHOUT SITUS INVERSUS. Identifiers: MedGen C4539798, MONDO:0033204, OMIM 617577.

Allele frequency attached by ClinVar (database versions not stated): gnomAD exomes below 0.00001; TOPMed 0.00002.
gnomAD v4.1: 2 of 1,613,972 alleles (0.00012%); highest among the groups gnomAD compares: Middle Eastern, 0.016%; no homozygotes.

Submissions (2):

Ambry Genetics
Classification: Uncertain significance. Last evaluated: 2023-03-27. Review status: criteria provided, single submitter. Criteria: Ambry Variant Classification Scheme 2023. Collection method: clinical testing. Allele origin: germline.

Labcorp Genetics (formerly Invitae), Labcorp
Classification: Uncertain significance for Ciliary dyskinesia, primary, 37; Spermatogenic failure 18. Last evaluated: 2021-12-27. Review status: criteria provided, single submitter. Criteria: Invitae Variant Classification Sherloc (09022015). Collection method: clinical testing. Allele origin: germline.
Comment: This sequence change replaces asparagine, which is neutral and polar, with serine, which is neutral and polar, at codon 1119 of the DNAH1 protein (p.Asn1119Ser). This variant is present in population databases (no rsID available, gnomAD 0.0009%). This variant has not been reported in the literature in individuals affected with DNAH1-related conditions. Algorithms developed to predict the effect of missense changes on protein structure and function are either unavailable or do not agree on the potential impact of this missense change (SIFT: "Deleterious"; PolyPhen-2: "Benign"; Align-GVGD: "Class C0"). In summary, the available evidence is currently insufficient to determine the role of this variant in disease. Therefore, it has been classified as a Variant of Uncertain Significance.